The following is an entry in ClinVar:

NM_000540.3(RYR1):c.9027C>A (p.Tyr3009Ter)

Gene: RYR1 (ryanodine receptor 1; plus strand). Cytogenetic location: 19q13.2.
Variant type: single nucleotide variant.
Coding change: c.9027C>A on transcript NM_000540.3 (MANE Select); coding-DNA position 9027, C replaced by A.
Protein change: p.Tyr3009Ter; replaces tyrosine 3009 with a stop codon.
Molecular consequence: nonsense.
Genome position (GRCh38, 1-based): chr19:38,510,686, C>A. VCF-style: chr19-38510686-C-A. GRCh37 (hg19) VCF-style: chr19-39001326-C-A.
Other names: c.9027C>A, p.Tyr3009Ter (NM_001042723.2); short protein forms Y3009*.
Identifiers: ClinVar variation 3070308 (VCV003070308.1), dbSNP rs2514394897, ClinGen allele CA405683641.
Genomic context (GRCh38, chr19:38,510,686, plus strand): 5'-ATTGGACCCTTTATCTCCCCCAACCCGTCTCCAGATCCTGCTCCCTTTGATCAACCAGTA[C>A]TTCACCAACCACTGCCTCTATTTCTTGTCCACTCCGGCTAAAGTGCTGGGCAGCGGTGGC-3'

ClinVar aggregate classification (germline): Uncertain significance (1 of 4 stars; one submission).

Conditions:
Malignant hyperthermia, susceptibility to, 1 (MHS1). Also called: RYR1-Related Malignant Hyperthermia Susceptibility; Anesthesia related hyperthermia; Malignant hyperpyrexia; Fulminating hyperpyrexia; Pharmacogenic myopathy; Malignant hyperthermia suceptibility 1. Identifiers: Orphanet 423, MedGen C2930980, MONDO:0007783, OMIM 145600.

Submission:

All of Us Research Program, National Institutes of Health
Classification: Uncertain significance for Malignant hyperthermia, susceptibility to, 1. Last evaluated: 2023-04-03. Review status: criteria provided, single submitter. Criteria: ACMG Guidelines, 2015. Collection method: clinical testing. Allele origin: germline. Inheritance: Autosomal dominant inheritance. Observed: 1 variant allele, 1 heterozygote.
Comment: This variant changes 1 nucleotide in exon 60 of the RYR1 gene, creating a premature translation stop signal. This variant is expected to result in an absent protein product. To our knowledge, this variant has not been reported in individuals affected with RYR1-related disorders in the literature. Loss of RYR1 function due to haploinsufficiency is not an established disease mechanism for autosomal dominant malignant hyperthermia, although it is associated with other phenotype(s). This variant has not been identified in the general population by the Genome Aggregation Database (gnomAD). Therefore, this variant is classified as a Variant of Uncertain Significance for malignant hyperthermia susceptibility.

This study involves interpretation of variants in research participants for the purpose of population health screening. Participant phenotype was not available at the time of variant classification. Additional details can be found in publication PMID: 35346344, PMCID: PMC8962531